The following is an entry in ClinVar:

NM_022166.4(XYLT1):c.1588-28_1588-3dup

Genes: XYLT1 (xylosyltransferase 1; minus strand), LOC102723692 (uncharacterized LOC102723692; plus strand). Cytogenetic location: 16p12.3.
Variant type: Duplication.
Coding change: c.1588-28_1588-3dup on transcript NM_022166.4 (MANE Select); 28 bases into the intron before coding-DNA position 1588 through 3 bases into the intron before coding-DNA position 1588, 26 bases duplicated (TCAGGCTGGGTCCCTCTCTCCCCTGC).
Molecular consequence: intron variant. On other transcripts: non-coding transcript variant (1).
Genome position (GRCh38, 1-based): chr16:17,138,534-17,138,559, GCAGGGGAGAGAGGGACCCAGCCTGA duplicated on the plus strand (TCAGGCTGGGTCCCTCTCTCCCCTGC on the coding strand, the reverse complement: XYLT1 is on the minus strand); duplicating any 26 consecutive bases within chr16:17,138,534-17,138,560 gives the same sequence; the c. name uses the placement nearest the transcript's 3' end. VCF-style (leftmost placement, unchanged base first): chr16-17138533-T-TGCAGGGGAGAGAGGGACCCAGCCTGA. GRCh37 (hg19) VCF-style: chr16-17232390-T-TGCAGGGGAGAGAGGGACCCAGCCTGA.
Other names: c.1588-28_1588-3dup26 (NM_022166.3).
Identifiers: ClinVar variation 782892 (VCV000782892.10), dbSNP rs545474455, ClinGen allele CA7927844.

ClinVar aggregate classification (germline): Benign/Likely benign. Review status: criteria provided, multiple submitters, no conflicts (2 of 4 stars). 2 submissions from 2 submitters: Benign (1); Likely benign (1). Last evaluated 2026-05-05.

Conditions:
XYLT1-related disorder. Also called: XYLT1-related condition.
Desbuquois dysplasia 1 (DBQD1). Also called: DESBUQUOIS DYSPLASIA 1, KIM VARIANT; MICROMELIC DWARFISM WITH VERTEBRAL AND METAPHYSEAL ABNORMALITIES AND ADVANCED CARPOTARSAL OSSIFICATION. Identifiers: Orphanet 1425, MedGen C4012146, MONDO:0009629, OMIM 251450.

Submissions (2):

PreventionGenetics, part of Exact Sciences
Classification: Likely benign for XYLT1-related condition. Last evaluated: 2026-05-05. Review status: criteria provided, single submitter. Criteria: ACMG Guidelines, 2015. Collection method: clinical testing. Allele origin: germline.
Comment: This variant is classified as likely benign based on ACMG/AMP sequence variant interpretation guidelines (Richards et al. 2015 PMID: 25741868, with internal and published modifications).

Labcorp Genetics (formerly Invitae), Labcorp
Classification: Benign for Desbuquois dysplasia 1. Last evaluated: 2025-12-01. Review status: criteria provided, single submitter. Criteria: Invitae Variant Classification Sherloc (09022015). Collection method: clinical testing. Allele origin: germline.